The following is an entry in ClinVar:

ClinVar aggregate classification (germline): Uncertain significance (1 of 4 stars; one submission).

Conditions:
Neurodevelopmental disorder with hypotonia, stereotypic hand movements, and impaired language. Also called: Intellectual disability, autosomal dominant 20. Identifiers: Orphanet 228384, Orphanet 664410, MedGen C3150700, MONDO:0013266, OMIM 613443.

Submission:

Labcorp Genetics (formerly Invitae), Labcorp
Classification: Uncertain significance for Neurodevelopmental disorder with hypotonia, stereotypic hand movements, and impaired language. Last evaluated: 2025-08-09. Review status: criteria provided, single submitter. Criteria: Invitae Variant Classification Sherloc (09022015). Collection method: clinical testing. Allele origin: germline.
Comment: This sequence change replaces proline, which is neutral and non-polar, with alanine, which is neutral and non-polar, at codon 405 of the MEF2C protein (p.Pro405Ala). This variant is not present in population databases (gnomAD no frequency). This variant has not been reported in the literature in individuals affected with MEF2C-related conditions. Invitae Evidence Modeling of protein sequence and biophysical properties (such as structural, functional, and spatial information, amino acid conservation, physicochemical variation, residue mobility, and thermodynamic stability) indicates that this missense variant is not expected to disrupt MEF2C protein function with a negative predictive value of 95%. In summary, the available evidence is currently insufficient to determine the role of this variant in disease. Therefore, it has been classified as a Variant of Uncertain Significance.

NM_002397.5(MEF2C):c.1213C>G (p.Pro405Ala)

Genes: MEF2C (myocyte enhancer factor 2C; minus strand), MEF2C-AS2 (MEF2C antisense RNA 2; plus strand). Cytogenetic location: 5q14.3.
Variant type: single nucleotide variant.
Coding change: c.1213C>G on transcript NM_002397.5 (MANE Select); coding-DNA position 1213, C replaced by G.
Protein change: p.Pro405Ala; replaces proline 405 with alanine.
Molecular consequence: missense variant. On other transcripts: non-coding transcript variant (1).
Genome position (GRCh38, 1-based): chr5:88,722,813, G>C on the plus strand (C>G on the coding strand, the complement: MEF2C is on the minus strand). VCF-style: chr5-88722813-G-C. GRCh37 (hg19) VCF-style: chr5-88018630-G-C.
Other names: c.1183C>G, p.Pro395Ala (NM_001131005.2); c.1243C>G, p.Pro415Ala (NM_001193347.1); c.1045C>G, p.Pro349Ala (NM_001193348.1); c.973C>G, p.Pro325Ala (NM_001193349.3, NM_001364332.2); c.1213C>G, p.Pro405Ala (NM_001193350.2, NM_001364329.2, NM_001364330.2 and 1 more transcripts); c.1189C>G, p.Pro397Ala (NM_001308002.3, NM_001364333.2); c.1117C>G, p.Pro373Ala (NM_001363581.2, NM_001364334.2, NM_001364335.2 and 2 more transcripts); c.1147C>G, p.Pro383Ala (NM_001364338.2); and 10 more; short protein forms P223A, P247A, P324R, P325A, P362R, P363A, P373A, P395A.
Identifiers: ClinVar variation 4709946 (VCV004709946.1).